The following is an entry in ClinVar:

ClinVar aggregate classification (germline): Uncertain significance (1 of 4 stars; one submission).

Conditions:
Polyglucosan body myopathy type 2. Identifiers: Orphanet 456369, MedGen C4015452, MONDO:0014526, OMIM 616199.
Glycogen storage disease XV (GSD15). Also called: GLYCOGENIN DEFICIENCY; GSD XV. Identifiers: Orphanet 263297, MedGen C3150754, MONDO:0013291, OMIM 613507.

Allele frequency attached by ClinVar (database versions not stated): ESP Exome Variant Server 0.00008.

Submission:

Labcorp Genetics (formerly Invitae), Labcorp
Classification: Uncertain significance for Polyglucosan body myopathy type 2; Glycogen storage disease XV. Last evaluated: 2022-03-14. Review status: criteria provided, single submitter. Criteria: Invitae Variant Classification Sherloc (09022015). Collection method: clinical testing. Allele origin: germline.
Comment: This sequence change replaces serine, which is neutral and polar, with leucine, which is neutral and non-polar, at codon 91 of the GYG1 protein (p.Ser91Leu). This variant is present in population databases (rs143959979, gnomAD 0.007%). This variant has not been reported in the literature in individuals affected with GYG1-related conditions. Algorithms developed to predict the effect of missense changes on protein structure and function are either unavailable or do not agree on the potential impact of this missense change (SIFT: "Tolerated"; PolyPhen-2: "Possibly Damaging"; Align-GVGD: "Class C0"). In summary, the available evidence is currently insufficient to determine the role of this variant in disease. Therefore, it has been classified as a Variant of Uncertain Significance.

NM_004130.4(GYG1):c.272C>T (p.Ser91Leu)

Gene: GYG1 (glycogenin 1; plus strand). Cytogenetic location: 3q24.
Variant type: single nucleotide variant.
Coding change: c.272C>T on transcript NM_004130.4 (MANE Select); coding-DNA position 272, C replaced by T.
Protein change: p.Ser91Leu; replaces serine 91 with leucine.
Molecular consequence: missense variant.
Genome position (GRCh38, 1-based): chr3:148,996,430, C>T. VCF-style: chr3-148996430-C-T. GRCh37 (hg19) VCF-style: chr3-148714217-C-T.
Other names: c.272C>T, p.Ser91Leu (NM_001184720.2, NM_001184721.2); short protein forms S91L.
Identifiers: ClinVar variation 2079311 (VCV002079311.1), dbSNP rs143959979, ClinGen allele CA2658503.